The following is an entry in ClinVar:

NM_006939.4(SOS2):c.346-10C>G

Gene: SOS2 (SOS Ras/Rho guanine nucleotide exchange factor 2; minus strand). Cytogenetic location: 14q21.3.
Variant type: single nucleotide variant.
Coding change: c.346-10C>G on transcript NM_006939.4 (MANE Select); 10 bases into the intron before coding-DNA position 346, C replaced by G.
Molecular consequence: intron variant.
Genome position (GRCh38, 1-based): chr14:50,199,865, G>C on the plus strand (C>G on the coding strand, the complement: SOS2 is on the minus strand). VCF-style: chr14-50199865-G-C. GRCh37 (hg19) VCF-style: chr14-50666583-G-C.
Identifiers: ClinVar variation 509652 (VCV000509652.14), dbSNP rs146395803, ClinGen allele CA7177539.

ClinVar aggregate classification (germline): Benign/Likely benign. Review status: criteria provided, multiple submitters, no conflicts (2 of 4 stars). 5 submissions from 5 submitters: Benign (4); Likely benign (1). Last evaluated 2026-01-27.

Conditions:
Noonan syndrome 9 (NS9). Identifiers: Orphanet 648, MedGen C4225282, MONDO:0014691, OMIM 616559.

Allele frequency attached by ClinVar (database versions not stated): gnomAD exomes 0.00012; ESP Exome Variant Server 0.00038; gnomAD 0.00046; TOPMed 0.00047; 1000 Genomes Project 30x 0.00078; 1000 Genomes Project 0.00080.
gnomAD v4.1: 151 of 1,525,744 alleles (0.0099%); highest among the groups gnomAD compares: African/African-American, 0.18%; 2 homozygotes.

Submissions (5):

Labcorp Genetics (formerly Invitae), Labcorp
Classification: Benign for Noonan syndrome 9. Last evaluated: 2026-01-27. Review status: criteria provided, single submitter. Criteria: Invitae Variant Classification Sherloc (09022015). Collection method: clinical testing. Allele origin: germline.

Blueprint Genetics
Classification: Likely benign. Last evaluated: 2024-10-29. Review status: criteria provided, single submitter. Criteria: ACMG Guidelines, 2015. Collection method: clinical testing. Allele origin: germline.

Women's Health and Genetics/Laboratory Corporation of America, LabCorp
Classification: Benign. Last evaluated: 2020-02-13. Review status: criteria provided, single submitter. Criteria: LabCorp Variant Classification Summary - May 2015. Collection method: clinical testing. Allele origin: germline.
Comment: Variant summary: SOS2 c.346-10C>G alters a non-conserved nucleotide located close to a canonical splice site and therefore could affect mRNA splicing, leading to a significantly altered protein sequence. 4/4 computational tools predict no significant impact on normal splicing. However, these predictions have yet to be confirmed by functional studies. The variant allele was found at a frequency of 0.00012 in 211938 control chromosomes. The observed variant frequency is approximately 47 fold of the estimated maximal expected allele frequency for a pathogenic variant in SOS2 causing Noonan Syndrome and Related Conditions phenotype (2.5e-06), strongly suggesting that the variant is benign. To our knowledge, no occurrence of c.346-10C>G in individuals affected with Noonan Syndrome and Related Conditions and no experimental evidence demonstrating its impact on protein function have been reported. Two clinical diagnostic laboratories have submitted clinical-significance assessments for this variant to ClinVar after 2014 without evidence for independent evaluation. Both laboratories classified the variant as benign. Based on the evidence outlined above, the variant was classified as benign.

GeneDx
Classification: Benign. Last evaluated: 2017-09-18. Review status: criteria provided, single submitter. Criteria: GeneDx Variant Classification (06012015). Collection method: clinical testing. Allele origin: germline. Affected: yes.
Comment: This variant is considered likely benign or benign based on one or more of the following criteria: it is a conservative change, it occurs at a poorly conserved position in the protein, it is predicted to be benign by multiple in silico algorithms, and/or has population frequency not consistent with disease.

Genome-Nilou Lab
Classification: Benign for Noonan syndrome 9. Review status: criteria provided, single submitter. Criteria: ACMG Guidelines, 2015. Collection method: clinical testing. Allele origin: germline.